The following is an entry in ClinVar:

NM_000257.4(MYH7):c.1404C>A (p.Phe468Leu)

Gene: MYH7 (myosin heavy chain 7; minus strand). Cytogenetic location: 14q11.2.
Variant type: single nucleotide variant.
Coding change: c.1404C>A on transcript NM_000257.4 (MANE Select); coding-DNA position 1404, C replaced by A.
Protein change: p.Phe468Leu; replaces phenylalanine 468 with leucine.
Molecular consequence: missense variant.
Genome position (GRCh38, 1-based): chr14:23,428,958, G>T on the plus strand (C>A on the coding strand, the complement: MYH7 is on the minus strand). VCF-style: chr14-23428958-G-T. GRCh37 (hg19) VCF-style: chr14-23898167-G-T.
Other names: c.1404C>A, p.Phe468Leu (NM_001407004.1); short protein forms F468L.
Identifiers: ClinVar variation 3400948 (VCV003400948.1).

ClinVar aggregate classification (germline): Uncertain significance (1 of 4 stars; one submission).

Conditions:
Cardiovascular phenotype. Identifiers: MedGen CN230736.

Submission:

Ambry Genetics
Classification: Uncertain significance for Cardiovascular phenotype. Last evaluated: 2024-11-05. Review status: criteria provided, single submitter. Criteria: Ambry Variant Classification Scheme 2023. Collection method: clinical testing. Allele origin: germline.
Comment: The p.F468L variant (also known as c.1404C>A), located in coding exon 12 of the MYH7 gene, results from a C to A substitution at nucleotide position 1404. The phenylalanine at codon 468 is replaced by leucine, an amino acid with highly similar properties. This variant has been reported in association with dilated cardiomyopathy (DCM) and in a hypertrophic cardiomyopathy (HCM)-related SCD cohort (Pugh TJ et al. Genet Med, 2014 Aug;16:601-8; Lakdawala NK et al. J Card Fail, 2012 Apr;18:296-303; Walsh R et al. Genet Med, 2017 Feb;19:192-203; Liu HT et al. Chin Med J (Engl), 2019 Dec;132:2835-2841). This alteration is located in the myosin head domain, which contains a statistically significant clustering of pathogenic missense variants (Homburger JR et al. Proc Natl Acad Sci U S A, 2016 06;113:6701-6; Walsh R et al. Genet Med, 2017 02;19:192-203; Ambry internal data). This amino acid position is highly conserved in available vertebrate species. In addition, this alteration is predicted to be deleterious by in silico analysis. Based on the available evidence, the clinical significance of this variant remains unclear.

Literature cited by the submitters: PubMed 22464770; PubMed 24503780; PubMed 27532257; PubMed 31856055.